The following is an entry in ClinVar:

ClinVar aggregate classification (germline): Uncertain significance. Review status: criteria provided, multiple submitters, no conflicts (2 of 4 stars). 3 submissions from 3 submitters: Uncertain significance (3). Last evaluated 2026-05-01.

Conditions:
Multiple congenital anomalies-hypotonia-seizures syndrome 2 (MCAHS2). Also called: EPILEPTIC ENCEPHALOPATHY, EARLY INFANTILE, 20; GLYCOSYLPHOSPHATIDYLINOSITOL BIOSYNTHESIS DEFECT 4. Identifiers: Orphanet 300496, MedGen C3275508, MONDO:0010466, OMIM 300868.

Allele frequency attached by ClinVar (database versions not stated): gnomAD exomes below 0.00001.
gnomAD v4.1: 1 of 1,211,853 alleles (0.000083%); highest among the groups gnomAD compares: Middle Eastern, 0.023%; no homozygotes.

Submissions (3):

GeneDx
Classification: Uncertain significance. Last evaluated: 2026-05-01. Review status: criteria provided, single submitter. Criteria: GeneDx Variant Classification Process June 2021. Collection method: clinical testing. Allele origin: germline.
Comment: Not observed at significant frequency in large population cohorts (gnomAD); In silico analysis suggests that this missense variant does not alter protein structure/function; Has not been previously published as pathogenic or benign to our knowledge

Labcorp Genetics (formerly Invitae), Labcorp
Classification: Uncertain significance for Multiple congenital anomalies-hypotonia-seizures syndrome 2. Last evaluated: 2022-06-22. Review status: criteria provided, single submitter. Criteria: Invitae Variant Classification Sherloc (09022015). Collection method: clinical testing. Allele origin: germline.
Comment: In summary, the available evidence is currently insufficient to determine the role of this variant in disease. Therefore, it has been classified as a Variant of Uncertain Significance. Algorithms developed to predict the effect of missense changes on protein structure and function (SIFT, PolyPhen-2, Align-GVGD) all suggest that this variant is likely to be tolerated. This variant has not been reported in the literature in individuals affected with PIGA-related conditions. This variant is not present in population databases (gnomAD no frequency). This sequence change replaces serine, which is neutral and polar, with alanine, which is neutral and non-polar, at codon 101 of the PIGA protein (p.Ser101Ala).

Blueprint Genetics
Classification: Uncertain significance. Last evaluated: 2021-12-03. Review status: criteria provided, single submitter. Criteria: ACMG Guidelines, 2015. Collection method: clinical testing. Allele origin: germline.

NM_002641.4(PIGA):c.301T>G (p.Ser101Ala)

Gene: PIGA (phosphatidylinositol glycan anchor biosynthesis class A; minus strand). Cytogenetic location: Xp22.2.
Variant type: single nucleotide variant.
Coding change: c.301T>G on transcript NM_002641.4 (MANE Select); coding-DNA position 301, T replaced by G.
Protein change: p.Ser101Ala; replaces serine 101 with alanine.
Molecular consequence: missense variant. On other transcripts: non-coding transcript variant (1), intron variant (1).
Genome position (GRCh38, 1-based): chrX:15,331,630, A>C on the plus strand (T>G on the coding strand, the complement: PIGA is on the minus strand). VCF-style: chrX-15331630-A-C. GRCh37 (hg19) VCF-style: chrX-15349752-A-C.
Other names: c.13+3871T>G (NM_020473.3); short protein forms S101A.
Identifiers: ClinVar variation 2192876 (VCV002192876.7), dbSNP rs2519331722, ClinGen allele CA412340645.